The following is an entry in ClinVar:

NM_001244008.2(KIF1A):c.1804C>T (p.Arg602Trp)

Gene: KIF1A (kinesin family member 1A; minus strand). Cytogenetic location: 2q37.3.
Variant type: single nucleotide variant.
Coding change: c.1804C>T on transcript NM_001244008.2 (MANE Select); coding-DNA position 1804, C replaced by T.
Protein change: p.Arg602Trp; replaces arginine 602 with tryptophan.
Molecular consequence: missense variant.
Genome position (GRCh38, 1-based): chr2:240,763,311, G>A on the plus strand (C>T on the coding strand, the complement: KIF1A is on the minus strand). VCF-style: chr2-240763311-G-A. GRCh37 (hg19) VCF-style: chr2-241702728-G-A.
Other names: c.1804C>T, p.Arg602Trp (NM_001320705.2, NM_001330289.2, NM_001379638.1); c.1879C>T, p.Arg627Trp (NM_001330290.2, NM_001379631.1, NM_001379634.1 and 2 more transcripts); c.1777C>T, p.Arg593Trp (NM_001379632.1, NM_001379633.1, NM_001379636.1 and 10 more transcripts); c.1852C>T, p.Arg618Trp (NM_001379637.1, NM_001379648.1); short protein forms R593W, R602W, R627W, R618W.
Identifiers: ClinVar variation 850407 (VCV000850407.10), dbSNP rs1020847767, ClinGen allele CA68173230.
Genomic context (GRCh38, chr2:240,763,311, plus strand): 5'-GCGTCTCCGCACAAGGCGTGCGCTCACGCTCCTGCCGGGCCTGCTCGGGGTGGTTGAACC[G>A]GAACACATGGCTCTTACCCATGATGATGCGGTTTCCTGGGGAACAGAGGGACAGGTGGCC-3'
Protein context (NP_001230937.1, residues 592-612): RIIMGKSHVF[Arg602Trp]FNHPEQARQE

ClinVar aggregate classification (germline): Uncertain significance (1 of 4 stars; one submission).

Conditions:
Hereditary spastic paraplegia 30. Identifiers: Orphanet 101010, MedGen C5235139, MONDO:0012476.
Neuropathy, hereditary sensory, type 2C. Also called: Hereditary sensory and autonomic neuropathy type IIC; KIF1A-Related HSAN2 (HSAN2C). Identifiers: Orphanet 970, MedGen C3280168, MONDO:0013634, OMIM 614213.
Intellectual disability, autosomal dominant 9 (NESCAVS). Also called: NESCAV SYNDROME; KIF1A-Related Neurodevelopmental Disorder. Identifiers: Orphanet 662367, MedGen C5393830, MONDO:0013656, OMIM 614255.

Allele frequency attached by ClinVar (database versions not stated): gnomAD exomes below 0.00001; TOPMed below 0.00001.
gnomAD v4.1: 2 of 1,595,554 alleles (0.00013%); highest among the groups gnomAD compares: Non-Finnish European, 0.000085%; no homozygotes.

Submission:

Labcorp Genetics (formerly Invitae), Labcorp
Classification: Uncertain significance for Hereditary spastic paraplegia 30; Neuropathy, hereditary sensory, type 2C; Intellectual disability, autosomal dominant 9. Last evaluated: 2024-06-03. Review status: criteria provided, single submitter. Criteria: Invitae Variant Classification Sherloc (09022015). Collection method: clinical testing. Allele origin: germline.
Comment: This sequence change replaces arginine, which is basic and polar, with tryptophan, which is neutral and slightly polar, at codon 593 of the KIF1A protein (p.Arg593Trp). This variant is not present in population databases (gnomAD no frequency). This missense change has been observed in individual(s) with clinical features of KIF1A-related conditions (Invitae). ClinVar contains an entry for this variant (Variation ID: 850407). Advanced modeling of protein sequence and biophysical properties (such as structural, functional, and spatial information, amino acid conservation, physicochemical variation, residue mobility, and thermodynamic stability) performed at Invitae indicates that this missense variant is expected to disrupt KIF1A protein function with a positive predictive value of 80%. In summary, the available evidence is currently insufficient to determine the role of this variant in disease. Therefore, it has been classified as a Variant of Uncertain Significance.